The following is an entry in ClinVar:

ClinVar aggregate classification (germline): Uncertain significance (1 of 4 stars; one submission).

Conditions:
Charcot-Marie-Tooth disease, type I (CMT1). Also called: Charcot-Marie-Tooth, Type 1; Charcot-Marie-Tooth disease type 1. Identifiers: Orphanet 65753, MedGen C0751036, MONDO:0019011.

Submission:

Labcorp Genetics (formerly Invitae), Labcorp
Classification: Uncertain significance for Charcot-Marie-Tooth disease, type I. Last evaluated: 2024-07-21. Review status: criteria provided, single submitter. Criteria: Invitae Variant Classification Sherloc (09022015). Collection method: clinical testing. Allele origin: germline.
Comment: This sequence change falls in intron 4 of the MPZ gene. It does not directly change the encoded amino acid sequence of the MPZ protein. It affects a nucleotide within the consensus splice site. This variant is not present in population databases (gnomAD no frequency). This variant has not been reported in the literature in individuals affected with MPZ-related conditions. Variants that disrupt the consensus splice site are a relatively common cause of aberrant splicing (PMID: 17576681, 9536098). Algorithms developed to predict the effect of sequence changes on RNA splicing suggest that this variant may disrupt the consensus splice site. In summary, the available evidence is currently insufficient to determine the role of this variant in disease. Therefore, it has been classified as a Variant of Uncertain Significance.

Literature cited by the submitters: PubMed 17576681; PubMed 9536098.

NM_000530.8(MPZ):c.585-3C>A

Gene: MPZ (myelin protein zero; minus strand). Cytogenetic location: 1q23.3.
Variant type: single nucleotide variant.
Coding change: c.585-3C>A on transcript NM_000530.8 (MANE Select); 3 bases into the intron before coding-DNA position 585, C replaced by A.
Molecular consequence: intron variant.
Genome position (GRCh38, 1-based): chr1:161,306,171, G>T on the plus strand (C>A on the coding strand, the complement: MPZ is on the minus strand). VCF-style: chr1-161306171-G-T. GRCh37 (hg19) VCF-style: chr1-161275961-G-T.
Other names: c.585-3C>A (NM_001315491.2).
Identifiers: ClinVar variation 3660071 (VCV003660071.2).
Genomic context (GRCh38, chr1:161,306,171, plus strand): 5'-CCGCCCGCGCTTCGACGCGTCCTTTCCTGGCTTGTGCAATTTCCCCTTCTCCATAGCACT[G>T]CAAGAAGAGAGACTGCTGTACGTTTGGCCTCGCCGGAACCCCTTGCACCGCGGACACAGC-3'